The following is an entry in ClinVar:

NM_201525.4(ADGRG1):c.671del (p.Asp224fs)

Gene: ADGRG1 (adhesion G protein-coupled receptor G1; plus strand). Cytogenetic location: 16q21.
Variant type: Deletion.
Coding change: c.671del on transcript NM_201525.4 (MANE Select); coding-DNA position 671, one base deleted (A; older notation c.671delA).
Protein change: p.Asp224fs; shifts the reading frame from aspartic acid 224.
Molecular consequence: frameshift variant.
Genome position (GRCh38, 1-based): chr16:57,654,036, A deleted. VCF-style (leftmost placement, unchanged base first): chr16-57654035-GA-G. GRCh37 (hg19) VCF-style: chr16-57687947-GA-G.
Other names: c.671del, p.Asp224fs (NM_001145770.3, NM_001145771.3, NM_001145772.3 and 16 more transcripts); c.686del, p.Asp229fs (NM_001145773.3, NM_001370433.1); c.161del, p.Asp54fs (NM_001290142.2); c.146del, p.Asp49fs (NM_001290143.2, NM_001290144.2, NM_001370451.1 and 2 more transcripts); c.515del, p.Asp172fs (NM_001370442.1); c.671delA (NM_005682.6); short protein forms D172fs, D54fs, D224fs, D229fs, D49fs.
Identifiers: ClinVar variation 372729 (VCV000372729.17), dbSNP rs1057517949, ClinGen allele CA16043018.
Genomic context (GRCh38, chr16:57,654,035, plus strand): 5'-CTCCCTGCCAGGCAGTTGCAGAGCCTGGAGTCGAAACTGACCTCTGTGAGATTCATGGGG[GA>G]CATGGTGTCCTTCGAGGAGGACCGGATCAACGCCACGGTGTGGAAGCTCCAGCCCACAGC-3'

ClinVar aggregate classification (germline): Pathogenic/Likely pathogenic. Review status: criteria provided, multiple submitters, no conflicts (2 of 4 stars). 4 submissions from 4 submitters: Pathogenic (3); Likely pathogenic (1). Last evaluated 2024-06-25.

Conditions:
Bilateral frontoparietal polymicrogyria. Also called: CORTICAL DYSPLASIA, COMPLEX, WITH OTHER BRAIN MALFORMATIONS 14A (BILATERAL FRONTOPARIETAL); CEREBELLAR ATAXIA WITH NEURONAL MIGRATION DEFECT. Identifiers: Orphanet 101070, MedGen C1847352, MONDO:0011738, OMIM 606854.
Polymicrogyria, bilateral perisylvian, autosomal recessive (CDCBM14B). Also called: CORTICAL DYSPLASIA, COMPLEX, WITH OTHER BRAIN MALFORMATIONS 14B (BILATERAL PERISYLVIAN). Identifiers: MedGen C3810405, MONDO:0014333, OMIM 615752.

Allele frequency attached by ClinVar (database versions not stated): gnomAD exomes below 0.00001; TOPMed 0.00001.

Submissions (4):

Natera, Inc.
Classification: Pathogenic for Bilateral frontoparietal polymicrogyria. Last evaluated: 2024-06-25. Review status: criteria provided, single submitter. Criteria: Natera Variant Classification Schema (03/2026). Collection method: clinical testing. Allele origin: germline.
Comment: The c.671delA variant in ADGRG1 is a frameshift variant predicted to shift the reading frame beginning at codon 224 and leads to a stop codon 99 codons downstream. This variant is expected to result in nonsense mediated decay, truncation, or a dysfunctional protein product. This variant is rare in the general population with a frequency below the threshold expected for the associated phenotype(s). This variant has been observed in one or more individuals affected with the associated recessive disease, as either homozygous or compound heterozygous with a second variant (PMID: 20929962). Additionally, this variant has been observed to segregate in affected family members (PMID: 20929962). Given the available evidence, this variant is classified as Pathogenic.

Fulgent Genetics
Classification: Likely pathogenic for Bilateral frontoparietal polymicrogyria; Polymicrogyria, bilateral perisylvian, autosomal recessive. Last evaluated: 2024-01-03. Review status: criteria provided, single submitter. Criteria: ACMG Guidelines, 2015. Collection method: clinical testing. Allele origin: germline.

Labcorp Genetics (formerly Invitae), Labcorp
Classification: Pathogenic. Last evaluated: 2023-06-23. Review status: criteria provided, single submitter. Criteria: Invitae Variant Classification Sherloc (09022015). Collection method: clinical testing. Allele origin: germline.
Comment: For these reasons, this variant has been classified as Pathogenic. ClinVar contains an entry for this variant (Variation ID: 372729). This premature translational stop signal has been observed in individual(s) with bilateral frontoparietal polymicrogyria (PMID: 20929962). This variant is not present in population databases (gnomAD no frequency). This sequence change creates a premature translational stop signal (p.Asp224Alafs*99) in the ADGRG1 gene. It is expected to result in an absent or disrupted protein product. Loss-of-function variants in ADGRG1 are known to be pathogenic (PMID: 15044805, 20929962).

GeneDx
Classification: Pathogenic. Last evaluated: 2019-09-23. Review status: criteria provided, single submitter. Criteria: GeneDx Variant Classification Process June 2021. Collection method: clinical testing. Allele origin: germline. Affected: yes.
Comment: Frameshift variant predicted to result in protein truncation or nonsense mediated decay in a gene for which loss-of-function is a known mechanism of disease; Not observed in large population cohorts (Lek et al., 2016); This variant is associated with the following publications: (PMID: 20929962)

Literature cited by the submitters: PubMed 20929962 (cited by Natera, Inc. and Labcorp Genetics (formerly Invitae), Labcorp); PubMed 15044805 (cited by Labcorp Genetics (formerly Invitae), Labcorp).